The following is an entry in ClinVar:

NM_004706.4(ARHGEF1):c.2506C>G (p.Gln836Glu)

Gene: ARHGEF1 (Rho guanine nucleotide exchange factor 1; plus strand). Cytogenetic location: 19q13.2.
Variant type: single nucleotide variant.
Coding change: c.2506C>G on transcript NM_004706.4 (MANE Select); coding-DNA position 2506, C replaced by G.
Protein change: p.Gln836Glu; replaces glutamine 836 with glutamic acid.
Molecular consequence: missense variant.
Genome position (GRCh38, 1-based): chr19:41,906,471, C>G. VCF-style: chr19-41906471-C-G. GRCh37 (hg19) VCF-style: chr19-42410623-C-G.
Other names: c.2407C>G, p.Gln803Glu (NM_198977.2); c.2551C>G, p.Gln851Glu (NM_199002.2); short protein forms Q803E, Q836E, Q851E.
Identifiers: ClinVar variation 1122620 (VCV001122620.36), dbSNP rs45580632, ClinGen allele CA9466771.

ClinVar aggregate classification (germline): Likely benign. Review status: criteria provided, multiple submitters, no conflicts (2 of 4 stars). 5 submissions from 5 submitters: Likely benign (3). 2 of the submissions do not count toward it. Last evaluated 2026-01-11.

Allele frequency attached by ClinVar (database versions not stated): 1000 Genomes Project 0.00040; 1000 Genomes Project 30x 0.00047; TOPMed 0.00121; ESP Exome Variant Server 0.00123; gnomAD 0.00139 and 0.00147; gnomAD exomes 0.00194.
gnomAD v4.1: 2,941 of 1,574,156 alleles (0.19%); highest among the groups gnomAD compares: Non-Finnish European, 0.22%; 1 homozygote.

Submissions (5):

Labcorp Genetics (formerly Invitae), Labcorp
Classification: Likely benign. Last evaluated: 2026-01-11. Review status: criteria provided, single submitter. Criteria: Invitae Variant Classification Sherloc (09022015). Collection method: clinical testing. Allele origin: germline.

Blueprint Genetics
Classification: Likely benign. Last evaluated: 2024-11-26. Review status: criteria provided, single submitter. Criteria: ACMG Guidelines, 2015. Collection method: clinical testing. Allele origin: germline.

CeGaT Center for Human Genetics Tuebingen
Classification: Likely benign. Last evaluated: 2023-08-01. Review status: criteria provided, single submitter. Criteria: CeGaT Center For Human Genetics Tuebingen Variant Classification Criteria Version 2. Collection method: clinical testing. Allele origin: germline. Affected: yes. Observed: 1 variant allele.
Comment: ARHGEF1: BS1

Clinical Genetics DNA and cytogenetics Diagnostics Lab, Erasmus MC, Erasmus Medical Center
Classification: Likely benign. Review status: no assertion criteria provided. Collection method: clinical testing. Allele origin: germline. Affected: yes. Study: VKGL Data-share Consensus. Not counted in ClinVar's aggregate classification.

Genome Diagnostics Laboratory, University Medical Center Utrecht
Classification: Likely benign. Review status: no assertion criteria provided. Collection method: clinical testing. Allele origin: germline. Affected: yes. Study: VKGL Data-share Consensus. Not counted in ClinVar's aggregate classification.